The following is an entry in ClinVar:

NM_001999.4(FBN2):c.3304A>G (p.Ser1102Gly)

Gene: FBN2 (fibrillin 2; minus strand). Cytogenetic location: 5q23.3.
Variant type: single nucleotide variant.
Coding change: c.3304A>G on transcript NM_001999.4 (MANE Select); coding-DNA position 3304, A replaced by G.
Protein change: p.Ser1102Gly; replaces serine 1102 with glycine.
Molecular consequence: missense variant.
Genome position (GRCh38, 1-based): chr5:128,344,424, T>C on the plus strand (A>G on the coding strand, the complement: FBN2 is on the minus strand). VCF-style: chr5-128344424-T-C. GRCh37 (hg19) VCF-style: chr5-127680116-T-C.
Other names: short protein forms S1102G.
Identifiers: ClinVar variation 234773 (VCV000234773.17), dbSNP rs761012607, ClinGen allele CA3395273.
Genomic context (GRCh38, chr5:128,344,424, plus strand): 5'-AAAACAGCAGAACCATCTTACCCGTGCAGTTTCTTTCCTCCATGTCTAGAGCAAAGCCAC[T>C]ATTGCAACGGCATTTGAAGCTTCCGATTGTATTTCTGCACTTCCCATAAGTGCACATCCC-3'
Protein context (NP_001990.2, residues 1092-1112): TIGSFKCRCN[Ser1102Gly]GFALDMEERN

ClinVar aggregate classification (germline): Conflicting classifications of pathogenicity. Review status: criteria provided, conflicting classifications (1 of 4 stars). 5 submissions from 5 submitters: Uncertain significance (4); Likely benign (1). Last evaluated 2026-09-11.

Conditions:
FBN2-related disorder. Also called: FBN2-related condition.
Macular degeneration, early-onset (EOMD). Identifiers: MedGen C4015286, MONDO:0014501, OMIM 616118.
Congenital contractural arachnodactyly (CCA). Also called: Arthrogryposis, distal, type 9; BEALS SYNDROME; Beals-Hecht syndrome. Identifiers: Orphanet 115, MedGen C0220668, MONDO:0007363, OMIM 121050.
Familial thoracic aortic aneurysm and aortic dissection (TAAD). Also called: Thoracic aortic aneurysms and dissections. Identifiers: Orphanet 91387, MedGen C4707243, MONDO:0019625.

Allele frequency attached by ClinVar (database versions not stated): gnomAD 0.00001; ExAC 0.00002; gnomAD exomes 0.00002 and 0.00004; TOPMed 0.00002.
gnomAD v4.1: 52 of 1,613,822 alleles (0.0032%); highest among the groups gnomAD compares: Non-Finnish European, 0.0043%; no homozygotes.

Submissions (5):

GeneDx
Classification: Uncertain significance. Last evaluated: 2026-09-11. Review status: criteria provided, single submitter. Criteria: GeneDx Variant Classification Process June 2021. Collection method: clinical testing. Allele origin: germline.
Comment: Has not been previously published as pathogenic or benign to our knowledge; Not observed at significant frequency in large population cohorts (gnomAD); In silico analysis suggests that this missense variant does not alter protein structure/function; This variant is associated with the following publications: (PMID: 18767143, 19006240)

PreventionGenetics, part of Exact Sciences
Classification: Uncertain significance for FBN2-related condition. Last evaluated: 2026-04-24. Review status: criteria provided, single submitter. Criteria: ACMG Guidelines, 2015. Collection method: clinical testing. Allele origin: germline.
Comment: The FBN2 c.3304A>G variant is predicted to result in the amino acid substitution p.Ser1102Gly. To our knowledge, this variant has not been reported in the literature. This variant is reported in 0.0026% of alleles in individuals of European (Non-Finnish) descent in gnomAD. At this time, the clinical significance of this variant is uncertain due to the absence of conclusive functional and genetic evidence.

Labcorp Genetics (formerly Invitae), Labcorp
Classification: Likely benign for Congenital contractural arachnodactyly. Last evaluated: 2025-11-03. Review status: criteria provided, single submitter. Criteria: Invitae Variant Classification Sherloc (09022015). Collection method: clinical testing. Allele origin: germline.

Ambry Genetics
Classification: Uncertain significance for Familial thoracic aortic aneurysm and aortic dissection. Last evaluated: 2025-09-16. Review status: criteria provided, single submitter. Criteria: Ambry Variant Classification Scheme 2023. Collection method: clinical testing. Allele origin: germline.
Comment: The p.S1102G variant (also known as c.3304A>G), located in coding exon 25 of the FBN2 gene, results from an A to G substitution at nucleotide position 3304. The serine at codon 1102 is replaced by glycine, an amino acid with similar properties. This amino acid position is not well conserved in available vertebrate species. In addition, the in silico prediction for this alteration is inconclusive. Since supporting evidence is limited at this time, the clinical significance of this alteration remains unclear.

Fulgent Genetics
Classification: Uncertain significance for Congenital contractural arachnodactyly; Macular degeneration, early-onset. Last evaluated: 2021-10-01. Review status: criteria provided, single submitter. Criteria: ACMG Guidelines, 2015. Collection method: clinical testing. Allele origin: unknown.